The following is an entry in ClinVar:

ClinVar aggregate classification (germline): Benign/Likely benign. Review status: criteria provided, multiple submitters, no conflicts (2 of 4 stars). 8 submissions from 8 submitters: Benign (1); Likely benign (6). 1 of the submissions does not count toward it. Last evaluated 2025-12-31.

Conditions:
Hereditary cancer-predisposing syndrome. Also called: Tumor predisposition; Neoplastic Syndromes, Hereditary; Hereditary neoplastic syndrome; Hereditary Cancer Syndrome. Identifiers: Orphanet 140162, MedGen C0027672, MeSH D009386, MONDO:0015356.
Familial cancer of breast. Also called: BREAST CANCER, FAMILIAL; hereditary breast carcinoma; Hereditary breast cancer. Identifiers: Orphanet 227535, MedGen C0346153, MONDO:0016419, OMIM 114480. Disease mechanism: loss of function.

Allele frequency attached by ClinVar (database versions not stated): gnomAD below 0.00001 and 0.00001; ExAC 0.00001; gnomAD exomes 0.00001 and 0.00002; TOPMed 0.00002.
gnomAD v4.1: 19 of 1,613,720 alleles (0.0012%); highest among the groups gnomAD compares: East Asian, 0.0089%; no homozygotes.

Submissions (8):

Labcorp Genetics (formerly Invitae), Labcorp
Classification: Likely benign for Familial cancer of breast. Last evaluated: 2025-12-31. Review status: criteria provided, single submitter. Criteria: Invitae Variant Classification Sherloc (09022015). Collection method: clinical testing. Allele origin: germline.

Myriad Genetics, Inc.
Classification: Benign for Familial cancer of breast. Last evaluated: 2023-03-08. Review status: criteria provided, single submitter. Criteria: Myriad Autosomal Dominant, Autosomal Recessive and X-Linked Classification Criteria (2023). Collection method: clinical testing. Allele origin: unknown.
Comment: This variant is considered benign. This variant is a silent/synonymous amino acid change and it is not expected to impact splicing.

Blueprint Genetics
Classification: Likely benign. Last evaluated: 2022-07-13. Review status: criteria provided, single submitter. Criteria: ACMG Guidelines, 2015. Collection method: clinical testing. Allele origin: germline.

Sema4
Classification: Likely benign for Hereditary cancer-predisposing syndrome. Last evaluated: 2021-09-23. Review status: criteria provided, single submitter. Criteria: Sema4 Curation Guidelines. Collection method: curation. Allele origin: germline.

GeneDx
Classification: Likely benign. Last evaluated: 2020-02-28. Review status: criteria provided, single submitter. Criteria: GeneDx Variant Classification Process June 2021. Collection method: clinical testing. Allele origin: germline. Affected: yes.

Color Diagnostics, LLC DBA Color Health
Classification: Likely benign for Hereditary cancer-predisposing syndrome. Last evaluated: 2017-11-22. Review status: criteria provided, single submitter. Criteria: ACMG Guidelines, 2015. Collection method: clinical testing. Allele origin: germline.

Ambry Genetics
Classification: Likely benign for Hereditary cancer-predisposing syndrome. Last evaluated: 2014-09-25. Review status: criteria provided, single submitter. Criteria: Ambry Variant Classification Scheme 2023. Collection method: clinical testing. Allele origin: germline.

Counsyl
Classification: Likely benign for Familial cancer of breast. Last evaluated: 2016-04-13. Review status: no assertion criteria provided. Collection method: clinical testing. Allele origin: unknown. Not counted in ClinVar's aggregate classification.

NM_007194.4(CHEK2):c.135G>A (p.Thr45=)

Gene: CHEK2 (checkpoint kinase 2; minus strand). Cytogenetic location: 22q12.1.
Variant type: single nucleotide variant.
Coding change: c.135G>A on transcript NM_007194.4 (MANE Select); coding-DNA position 135, G replaced by A.
Protein change: p.Thr45=; no amino-acid change (threonine 45 retained).
Molecular consequence: synonymous variant.
Genome position (GRCh38, 1-based): chr22:28,734,587, C>T on the plus strand (G>A on the coding strand, the complement: CHEK2 is on the minus strand). VCF-style: chr22-28734587-C-T. GRCh37 (hg19) VCF-style: chr22-29130575-C-T.
Other names: c.135G>A, p.Thr45= (NM_001005735.3, NM_001349956.3, NM_145862.3); c.-643G>A (NM_001257387.3).
Identifiers: ClinVar variation 186358 (VCV000186358.60), dbSNP rs745423387, ClinGen allele CA194580.